The following is an entry in ClinVar:

NM_000038.6(APC):c.948T>A (p.Tyr316Ter)

Gene: APC (APC regulator of Wnt signaling pathway; plus strand). Cytogenetic location: 5q22.2.
Variant type: single nucleotide variant.
Coding change: c.948T>A on transcript NM_000038.6 (MANE Select); coding-DNA position 948, T replaced by A.
Protein change: p.Tyr316Ter; replaces tyrosine 316 with a stop codon.
Molecular consequence: nonsense. On other transcripts: intron variant (4).
Genome position (GRCh38, 1-based): chr5:112,818,980, T>A. VCF-style: chr5-112818980-T-A. GRCh37 (hg19) VCF-style: chr5-112154677-T-A.
Other names: c.948T>A, p.Tyr316Ter (NM_001127510.3, NM_001354895.2, NM_001354896.2 and 4 more transcripts); c.894T>A, p.Tyr298Ter (NM_001127511.3); c.978T>A, p.Tyr326Ter (NM_001354897.2, NM_001407446.1); c.873T>A, p.Tyr291Ter (NM_001354898.2, NM_001407451.1); c.864T>A, p.Tyr288Ter (NM_001354899.2, NM_001407452.1); c.771T>A, p.Tyr257Ter (NM_001354900.2, NM_001354901.2, NM_001407453.1); c.99T>A, p.Tyr33Ter (NM_001354906.2, NM_001407470.1); c.964-289T>A (NM_001354902.2); and 3 more; short protein forms Y288*, Y33*, Y326*, Y257*, Y291*, Y298*, Y316*.
Identifiers: ClinVar variation 1767127 (VCV001767127.4), dbSNP rs748010172, ClinGen allele CA16023384.

ClinVar aggregate classification (germline): Pathogenic. Review status: criteria provided, multiple submitters, no conflicts (2 of 4 stars). 2 submissions from 2 submitters: Pathogenic (2). Last evaluated 2023-04-28.

Conditions:
Hereditary cancer-predisposing syndrome. Also called: Hereditary Cancer Syndrome; Hereditary neoplastic syndrome; Neoplastic Syndromes, Hereditary; Tumor predisposition. Identifiers: Orphanet 140162, MedGen C0027672, MeSH D009386, MONDO:0015356.
Familial adenomatous polyposis 1 (FAP1). Also called: FAMILIAL ADENOMATOUS POLYPOSIS 1, ATTENUATED; POLYPOSIS, ADENOMATOUS INTESTINAL. Identifiers: MedGen C2713442, MONDO:0021056, OMIM 175100. Disease mechanism: loss of function.

Submissions (2):

Myriad Genetics, Inc.
Classification: Pathogenic for Familial adenomatous polyposis 1. Last evaluated: 2023-04-28. Review status: criteria provided, single submitter. Criteria: Myriad Autosomal Dominant, Autosomal Recessive and X-Linked Classification Criteria (2023). Collection method: clinical testing. Allele origin: unknown.
Comment: This variant is considered pathogenic. This variant creates a termination codon and is predicted to result in premature protein truncation.

Ambry Genetics
Classification: Pathogenic for Hereditary cancer-predisposing syndrome. Last evaluated: 2016-12-02. Review status: criteria provided, single submitter. Criteria: Ambry Variant Classification Scheme 2023. Collection method: clinical testing. Allele origin: germline.
Comment: The p.Y316* pathogenic mutation (also known as c.948T>A), located in coding exon 9 of the APC gene, results from a T to A substitution at nucleotide position 948. This changes the amino acid from a tyrosine to a stop codon within coding exon 9. This alteration is expected to result in loss of function by premature protein truncation or nonsense-mediated mRNA decay. As such, this alteration is interpreted as a disease-causing mutation.